The following is an entry in ClinVar:

NM_000347.5:c.2542_2548delCTGGACC

Gene: SPTB (spectrin beta, erythrocytic; minus strand).
Variant type: Deletion.
Identifiers: ClinVar variation 4632106 (VCV004632106.1).

ClinVar aggregate classification (germline): Pathogenic (1 of 4 stars; one submission).

Conditions:
Inborn genetic diseases. Identifiers: MedGen C0950123, MeSH D030342.

Submission:

Ambry Genetics
Classification: Pathogenic for Inborn genetic diseases. Last evaluated: 2025-10-16. Review status: criteria provided, single submitter. Criteria: Ambry Variant Classification Scheme 2023. Collection method: clinical testing. Allele origin: germline.
Comment: The c.2542_2548delCTGGACC (p.L848Cfs*48) alteration, located in exon 13 (coding exon 13) of the SPTB gene, consists of a deletion of 7 nucleotides from position 2542 to 2548, causing a translational frameshift with a predicted alternate stop codon after 48 amino acids. This alteration is expected to result in loss of function by premature protein truncation or nonsense-mediated mRNA decay. This variant was not reported in population-based cohorts in the Genome Aggregation Database (gnomAD). Based on the available evidence, this alteration is classified as pathogenic.